The following is an entry in ClinVar:

NM_001002755.4(NFU1):c.289T>C (p.Ser97Pro)

Gene: NFU1 (NFU1 iron-sulfur cluster scaffold; minus strand). Cytogenetic location: 2p13.3.
Variant type: single nucleotide variant.
Coding change: c.289T>C on transcript NM_001002755.4 (MANE Select); coding-DNA position 289, T replaced by C.
Protein change: p.Ser97Pro; replaces serine 97 with proline.
Molecular consequence: missense variant. On other transcripts: intron variant (1).
Genome position (GRCh38, 1-based): chr2:69,423,595, A>G on the plus strand (T>C on the coding strand, the complement: NFU1 is on the minus strand). VCF-style: chr2-69423595-A-G. GRCh37 (hg19) VCF-style: chr2-69650727-A-G.
Other names: c.217T>C, p.Ser73Pro (NM_001374284.1, NM_015700.4); c.-121-3991T>C (NM_001002756.2); short protein forms S73P, S97P.
Identifiers: ClinVar variation 4689864 (VCV004689864.1).
Genomic context (GRCh38, chr2:69,423,595, plus strand): 5'-TAGTTATTTATGTTTCTTGGTAAAAGCAAATGAAAACAGTAATATACCTAGCCAGAGGGG[A>G]GCGAAATGCTGCAGCTGGGGTGGGAAAATCCATGGTCCTTGTCTCAAGAACTGGTTTTCC-3'
Protein context (NP_001002755.1, residues 87-107): DFPTPAAAFR[Ser97Pro]PLARQLFRIE

ClinVar aggregate classification (germline): Uncertain significance (1 of 4 stars; one submission).

gnomAD v4.1: 2 of 1,613,540 alleles (0.00012%); highest among the groups gnomAD compares: Non-Finnish European, 0.00017%; no homozygotes.

Submission:

GeneDx
Classification: Uncertain significance. Last evaluated: 2025-08-01. Review status: criteria provided, single submitter. Criteria: GeneDx Variant Classification Process June 2021. Collection method: clinical testing. Allele origin: germline. Affected: yes.
Comment: Not observed at significant frequency in large population cohorts (gnomAD); In silico analysis supports that this missense variant has a deleterious effect on protein structure/function; Has not been previously published as pathogenic or benign to our knowledge